The following is an entry in ClinVar:

NM_004409.5(DMPK):c.*224CTG[65]

Genes: DM1-AS (DM1 locus antisense RNA; plus strand), DMPK (DM1 protein kinase; minus strand), LOC107075317 (origin of replication in DMPK trinucleotide repeat region; plus strand), LOC109461477 (dystrophia myotonica protein kinase repeat instability region; plus strand). Cytogenetic location: 19q13.32.
Variant type: Microsatellite.
Coding change: c.*224CTG[65] on transcript NM_004409.5 (MANE Select); 65 copies in a row of the 3-base unit CTG starting at c.*224.
Molecular consequence: 3 prime UTR variant.
Genome position: GRCh38, VCF-style position (the base before the change): chr19:45,770,204. GRCh37 (hg19), VCF-style position (the base before the change): chr19:46,273,462.
Other names: DM1 CTG repeat expansion; c.*224CTG[65] (NM_001081560.3, NM_001288764.2, NM_001424165.1 and 1 more transcripts); c.*217CTG[65] (NM_001081562.3, NM_001288765.2, NM_001424162.1 and 2 more transcripts); c.*222_*224TGC[65] (NM_001081563.3); c.*369CTG[65] (NM_001288766.2, NM_001424164.1, NM_001424168.1).
Identifiers: ClinVar variation 188018 (VCV000188018.3), ClinGen allele CA915951847.

ClinVar aggregate classification (germline): Pathogenic. Review status: criteria provided, single submitter (1 of 4 stars). 2 submissions from 2 submitters: Pathogenic (1). 1 of the submissions does not count toward it. Last evaluated 2019-11-26.

Conditions:
Steinert myotonic dystrophy syndrome (DM1). Also called: STEINERT DISEASE; Myotonic dystrophy type 1; Dystrophia myotonica type 1; Steinert myotonic dystrophy; Steinert's disease. Identifiers: Orphanet 273, MedGen C3250443, MONDO:0008056, OMIM 160900.

Submissions (2):

Neuromuscular Research, Maastricht University Medical Centre
Classification: Pathogenic for Steinert myotonic dystrophy syndrome. Last evaluated: 2019-11-26. Review status: criteria provided, single submitter. Criteria: Best practice guidelines on molecular diagnosis DM1 and DM2, Kamsteeg et al. 2012. Collection method: clinical testing. Allele origin: paternal. Affected: yes.

Institute of Molecular, Cell and Systems Biology, University of Glasgow
Classification: Pathogenic for Steinert myotonic dystrophy syndrome. Review status: no assertion criteria provided. Criteria: research. Collection method: research. Allele origin: germline. Inheritance: Autosomal dominant inheritance. Affected: yes. Observed: 1 heterozygote. Not counted in ClinVar's aggregate classification.
Comment: DMPK CTG repeat expansions greater than approximately 45-50 repeats are assumed to be pathogenic

This record is based on data published in PubMed 25052313, which reports only ClinVar accessions SCV000120188 and SCV000120189. The complete data set includes SCV000207445 - SCV000207579.

Literature cited by the submitters: PubMed 32203199 (cited by Neuromuscular Research, Maastricht University Medical Centre); PubMed 1346923 (cited by Institute of Molecular, Cell and Systems Biology, University of Glasgow); PubMed 1546326 (cited by Institute of Molecular, Cell and Systems Biology, University of Glasgow); PubMed 25052313 (cited by Institute of Molecular, Cell and Systems Biology, University of Glasgow).